The following is an entry in ClinVar:

ClinVar aggregate classification (germline): Likely pathogenic (1 of 4 stars; one submission).

Conditions:
Ehlers-Danlos syndrome, type 4 (EDSVASC). Also called: Ehlers-Danlos syndrome vascular type; Ehlers Danlos syndrome, ecchymotic type; Ehlers Danlos syndrome, arterial type; Ehlers Danlos syndrome, Sack-Barabas type; Ehlers-Danlos Syndrome Type IV. Identifiers: Orphanet 286, MedGen C0268338, MONDO:0017314, OMIM 130050.

Allele frequency attached by ClinVar (database versions not stated): gnomAD exomes below 0.00001.
gnomAD v4.1: 1 of 1,613,978 alleles (0.000062%); highest among the groups gnomAD compares: Non-Finnish European, 0.000085%; no homozygotes.

Submission:

Labcorp Genetics (formerly Invitae), Labcorp
Classification: Likely pathogenic for Ehlers-Danlos syndrome, type 4. Last evaluated: 2022-10-17. Review status: criteria provided, single submitter. Criteria: Invitae Variant Classification Sherloc (09022015). Collection method: clinical testing. Allele origin: germline.
Comment: This sequence change replaces glycine, which is neutral and non-polar, with aspartic acid, which is acidic and polar, at codon 774 of the COL3A1 protein (p.Gly774Asp). This variant is not present in population databases (gnomAD no frequency). This variant has not been reported in the literature in individuals affected with COL3A1-related conditions. Advanced modeling of protein sequence and biophysical properties (such as structural, functional, and spatial information, amino acid conservation, physicochemical variation, residue mobility, and thermodynamic stability) performed at Invitae indicates that this missense variant is expected to disrupt COL3A1 protein function. This variant disrupts the triple helix domain of COL3A1. Glycine residues within the Gly-Xaa-Yaa repeats of the triple helix domain are required for the structure and stability of fibrillar collagens (PMID: 7695699, 8218237, 19344236). In COL3A1, variants that affect these glycine residues are significantly enriched in individuals with disease (PMID: 24922459, 25758994) compared to the general population (ExAC). In summary, the currently available evidence indicates that the variant is pathogenic, but additional data are needed to prove that conclusively. Therefore, this variant has been classified as Likely Pathogenic.

Literature cited by the submitters: PubMed 7695699; PubMed 8218237; PubMed 19344236; PubMed 24922459; PubMed 25758994.

NM_000090.4(COL3A1):c.2321G>A (p.Gly774Asp)

Gene: COL3A1 (collagen type III alpha 1 chain; plus strand). Cytogenetic location: 2q32.2.
Variant type: single nucleotide variant.
Coding change: c.2321G>A on transcript NM_000090.4 (MANE Select); coding-DNA position 2321, G replaced by A.
Protein change: p.Gly774Asp; replaces glycine 774 with aspartic acid.
Molecular consequence: missense variant.
Genome position (GRCh38, 1-based): chr2:189,001,434, G>A. VCF-style: chr2-189001434-G-A. GRCh37 (hg19) VCF-style: chr2-189866160-G-A.
Other names: short protein forms G774D.
Identifiers: ClinVar variation 2024969 (VCV002024969.4), dbSNP rs2469147714, ClinGen allele CA349842409.